The following is an entry in ClinVar:

NM_007294.4(BRCA1):c.4798T>A (p.Leu1600Met)

Gene: BRCA1 (BRCA1 DNA repair associated; minus strand). Cytogenetic location: 17q21.31.
Variant type: single nucleotide variant.
Coding change: c.4798T>A on transcript NM_007294.4 (MANE Select); coding-DNA position 4798, T replaced by A.
Protein change: p.Leu1600Met; replaces leucine 1600 with methionine.
Molecular consequence: missense variant. On other transcripts: intron variant (1).
Genome position (GRCh38, 1-based): chr17:43,071,116, A>T on the plus strand (T>A on the coding strand, the complement: BRCA1 is on the minus strand). VCF-style: chr17-43071116-A-T. GRCh37 (hg19) VCF-style: chr17-41223133-A-T.
Other names: c.4792T>A, p.Leu1598Met (NM_001407630.1, NM_001407631.1, NM_001407632.1 and 14 more transcripts); c.1486T>A, p.Leu496Met (NM_001407990.1, NM_001407991.1, NM_001407992.1 and 12 more transcripts); c.1483T>A, p.Leu495Met (NM_001408392.1, NM_001408396.1, NM_001408397.1 and 8 more transcripts); c.1411T>A, p.Leu471Met (NM_001408411.1); c.1408T>A, p.Leu470Met (NM_001408412.1, NM_001408413.1, NM_001408414.1 and 2 more transcripts); c.1372T>A, p.Leu458Met (NM_001408418.1, NM_001408419.1, NM_001408420.1); c.1369T>A, p.Leu457Met (NM_001408421.1, NM_001408422.1, NM_001408423.1 and 1 more transcripts); c.1366T>A, p.Leu456Met (NM_001408431.1, NM_001408425.1, NM_001408426.1 and 4 more transcripts); and 71 more; short protein forms L1473M, L1529M, L1557M, L1574M, L1597M, L387M, L409M, L417M.
Identifiers: ClinVar variation 4215107 (VCV004215107.1).

ClinVar aggregate classification (germline): Uncertain significance (1 of 4 stars; one submission).

Conditions:
Hereditary cancer-predisposing syndrome. Also called: Neoplastic Syndromes, Hereditary; Tumor predisposition; Hereditary Cancer Syndrome; Hereditary neoplastic syndrome. Identifiers: Orphanet 140162, MedGen C0027672, MeSH D009386, MONDO:0015356.

Submission:

Ambry Genetics
Classification: Uncertain significance for Hereditary cancer-predisposing syndrome. Last evaluated: 2025-08-21. Review status: criteria provided, single submitter. Criteria: Ambry Variant Classification Scheme 2023. Collection method: clinical testing. Allele origin: germline.
Comment: The p.L1600M variant (also known as c.4798T>A), located in coding exon 14 of the BRCA1 gene, results from a T to A substitution at nucleotide position 4798. The leucine at codon 1600 is replaced by methionine, an amino acid with highly similar properties. This amino acid position is well conserved in available vertebrate species. In addition, the in silico prediction for this alteration is inconclusive. Based on the available evidence, the clinical significance of this variant remains unclear.